The following is an entry in ClinVar:

ClinVar aggregate classification (germline): Likely benign. Review status: criteria provided, multiple submitters, no conflicts (2 of 4 stars). 2 submissions from 2 submitters: Likely benign (2). Last evaluated 2025-08-13.

Conditions:
Pheochromocytoma/paraganglioma syndrome 3. Also called: GLOMUS TUMORS, FAMILIAL, 3; Paragangliomas 3; SDHC-Related Hereditary Paraganglioma-Pheochromocytoma Syndrome (Paragangliomas 3); SDHC-Related Hereditary Paraganglioma-Pheochromocytoma Syndrome. Identifiers: Orphanet 29072, MedGen C1854336, MONDO:0011544, OMIM 605373.
Gastrointestinal stromal tumor. Also called: Gastrointestinal stroma tumor; Gastrointestinal stromal tumor, somatic. Identifiers: Orphanet 44890, MedGen C0238198, MeSH D046152, MONDO:0011719, OMIM 606764, HP:0100723.

Submissions (2):

Labcorp Genetics (formerly Invitae), Labcorp
Classification: Likely benign for Pheochromocytoma/paraganglioma syndrome 3; Gastrointestinal stromal tumor. Last evaluated: 2025-08-13. Review status: criteria provided, single submitter. Criteria: Invitae Variant Classification Sherloc (09022015). Collection method: clinical testing. Allele origin: germline.

Myriad Genetics, Inc.
Classification: Likely benign for Pheochromocytoma/paraganglioma syndrome 3. Last evaluated: 2025-03-14. Review status: criteria provided, single submitter. Criteria: Myriad Autosomal Dominant, Autosomal Recessive and X-Linked Classification Criteria (2023). Collection method: clinical testing. Allele origin: unknown.
Comment: This variant is considered likely benign. This variant is intronic and is not expected to impact mRNA splicing.

NM_003001.5(SDHC):c.241+9_241+10del

Gene: SDHC (succinate dehydrogenase complex subunit C; plus strand). Cytogenetic location: 1q23.3.
Variant type: Microsatellite.
Coding change: c.241+9_241+10del on transcript NM_003001.5 (MANE Select); bases 9 to 10 of the intron after coding-DNA position 241, 2 bases deleted (AT; older notation c.241+9_241+10delAT).
Molecular consequence: intron variant.
Genome position (GRCh38, 1-based): chr1:161,340,664-161,340,665, AT deleted; deleting any 2 consecutive bases within chr1:161,340,661-161,340,665 gives the same sequence; the c. name uses the placement nearest the transcript's 3' end. VCF-style (leftmost placement, unchanged base first): chr1-161340660-GTA-G. GRCh37 (hg19) VCF-style: chr1-161310450-GTA-G.
Other names: c.130+9_130+10del (NM_001407119.1, NM_001407120.1); c.361+9_361+10del (NM_001407115.1); c.241+9_241+10del (NM_001035511.3); c.139+9_139+10del (NM_001035512.3, NM_001278172.3); c.133+15_133+16del (NM_001407118.1); c.184+9_184+10del (NM_001407116.1, NM_001407121.1); c.178+15_178+16del (NM_001407117.1); c.82+9_82+10del (NM_001035513.3).
Identifiers: ClinVar variation 1160126 (VCV001160126.9), dbSNP rs1571869349, ClinGen allele CA2580611504.